The following is an entry in ClinVar:

ClinVar aggregate classification (germline): Uncertain significance (1 of 4 stars; one submission).

Submission:

GeneDx
Classification: Uncertain significance. Last evaluated: 2023-04-12. Review status: criteria provided, single submitter. Criteria: GeneDx Variant Classification Process June 2021. Collection method: clinical testing. Allele origin: germline. Affected: yes.
Comment: Nonsense variant predicted to result in protein truncation or nonsense mediated decay in a gene or region of a gene for which loss of function is not a well-established mechanism of disease; Not observed at significant frequency in large population cohorts (gnomAD); Has not been previously published as pathogenic or benign to our knowledge

NM_054027.6(ANKH):c.1467_1471del (p.Glu489_Glu490insTer)

Genes: ANKH (ANKH inorganic pyrophosphate transport regulator; minus strand), OTULIN (OTU deubiquitinase with linear linkage specificity; plus strand). Cytogenetic location: 5p15.2.
Variant type: Deletion.
Coding change: c.1467_1471del on transcript NM_054027.6 (MANE Select); coding-DNA positions 1467 to 1471, 5 bases deleted (GGAGA; older notation c.1467_1471delGGAGA).
Protein change: p.Glu489_Glu490insTer.
Molecular consequence: frameshift variant.
Genome position (GRCh38, 1-based): chr5:14,711,205-14,711,209, TCTCC deleted on the plus strand (GGAGA on the coding strand, the reverse complement: ANKH is on the minus strand); deleting any 5 consecutive bases within chr5:14,711,205-14,711,213 gives the same sequence; the c. name uses the placement nearest the transcript's 3' end. VCF-style (leftmost placement, unchanged base first): chr5-14711204-TTCTCC-T. GRCh37 (hg19) VCF-style: chr5-14711313-TTCTCC-T.
Identifiers: ClinVar variation 2662559 (VCV002662559.1), dbSNP rs1737176038, ClinGen allele CA1073454317.